The following is an entry in ClinVar:

ClinVar aggregate classification (germline): Uncertain significance. Review status: criteria provided, multiple submitters, no conflicts (2 of 4 stars). 2 submissions from 2 submitters: Uncertain significance (2). Last evaluated 2024-11-18.

Conditions:
Hereditary cancer-predisposing syndrome. Also called: Hereditary neoplastic syndrome; Neoplastic Syndromes, Hereditary; Hereditary Cancer Syndrome; Tumor predisposition. Identifiers: Orphanet 140162, MedGen C0027672, MeSH D009386, MONDO:0015356.
Gastrointestinal stromal tumor. Also called: Gastrointestinal stromal tumor, somatic; Gastrointestinal stroma tumor. Identifiers: Orphanet 44890, MedGen C0238198, MeSH D046152, MONDO:0011719, OMIM 606764, HP:0100723.

Submissions (2):

Labcorp Genetics (formerly Invitae), Labcorp
Classification: Uncertain significance for Gastrointestinal stromal tumor. Last evaluated: 2024-11-18. Review status: criteria provided, single submitter. Criteria: Invitae Variant Classification Sherloc (09022015). Collection method: clinical testing. Allele origin: germline.
Comment: This sequence change replaces tyrosine, which is neutral and polar, with asparagine, which is neutral and polar, at codon 373 of the KIT protein (p.Tyr373Asn). This variant is not present in population databases (gnomAD no frequency). This variant has not been reported in the literature in individuals affected with KIT-related conditions. ClinVar contains an entry for this variant (Variation ID: 946104). An algorithm developed to predict the effect of missense changes on protein structure and function (PolyPhen-2) suggests that this variant is likely to be disruptive. In summary, the available evidence is currently insufficient to determine the role of this variant in disease. Therefore, it has been classified as a Variant of Uncertain Significance.

Ambry Genetics
Classification: Uncertain significance for Hereditary cancer-predisposing syndrome. Last evaluated: 2024-11-16. Review status: criteria provided, single submitter. Criteria: Ambry Variant Classification Scheme 2023. Collection method: clinical testing. Allele origin: germline.
Comment: The p.Y373N variant (also known as c.1117T>A), located in coding exon 7 of the KIT gene, results from a T to A substitution at nucleotide position 1117. The tyrosine at codon 373 is replaced by asparagine, an amino acid with dissimilar properties. This amino acid position is conserved. In addition, the in silico prediction for this alteration is inconclusive. Since supporting evidence is limited at this time, the clinical significance of this alteration remains unclear.

NM_000222.3(KIT):c.1117T>A (p.Tyr373Asn)

Gene: KIT (KIT proto-oncogene, receptor tyrosine kinase; plus strand). Cytogenetic location: 4q12.
Variant type: single nucleotide variant.
Coding change: c.1117T>A on transcript NM_000222.3 (MANE Select); coding-DNA position 1117, T replaced by A.
Protein change: p.Tyr373Asn; replaces tyrosine 373 with asparagine.
Molecular consequence: missense variant.
Genome position (GRCh38, 1-based): chr4:54,709,425, T>A. VCF-style: chr4-54709425-T-A. GRCh37 (hg19) VCF-style: chr4-55575591-T-A.
Other names: c.1117T>A, p.Tyr373Asn (NM_001093772.2, NM_001385285.1, NM_001385286.1); c.1120T>A, p.Tyr374Asn (NM_001385284.1, NM_001385288.1, NM_001385290.1 and 1 more transcripts); short protein forms Y373N, Y374N.
Identifiers: ClinVar variation 946104 (VCV000946104.11), dbSNP rs1720996900, ClinGen allele CA356901977.
Genomic context (GRCh38, chr4:54,709,425, plus strand): 5'-GACATGCCTTCCAAGGCATGCTATCCACAGGTGATTGACTAGTTGTCTTTTCTTTGTAGA[T>A]ACGTAAGTGAACTTCATCTAACGAGATTAAAAGGCACCGAAGGAGGCACTTACACATTCC-3'
Protein context (NP_000213.1, residues 363-383): PKSENESNIR[Tyr373Asn]VSELHLTRLK